The following is an entry in ClinVar:

NM_032043.3(BRIP1):c.1527T>C (p.Gly509=)

Gene: BRIP1 (BRCA1 interacting DNA helicase 1; minus strand). Cytogenetic location: 17q23.2.
Variant type: single nucleotide variant.
Coding change: c.1527T>C on transcript NM_032043.3 (MANE Select); coding-DNA position 1527, T replaced by C.
Protein change: p.Gly509=; no amino-acid change (glycine 509 retained).
Molecular consequence: synonymous variant.
Genome position (GRCh38, 1-based): chr17:61,784,371, A>G on the plus strand (T>C on the coding strand, the complement: BRIP1 is on the minus strand). VCF-style: chr17-61784371-A-G. GRCh37 (hg19) VCF-style: chr17-59861732-A-G.
Identifiers: ClinVar variation 2132969 (VCV002132969.5), dbSNP rs2545054629, ClinGen allele CA501150752.

ClinVar aggregate classification (germline): Benign/Likely benign. Review status: criteria provided, multiple submitters, no conflicts (2 of 4 stars). 2 submissions from 2 submitters: Benign (1); Likely benign (1). Last evaluated 2025-10-19.

Conditions:
Familial cancer of breast. Also called: BREAST CANCER, FAMILIAL; Hereditary breast cancer; hereditary breast carcinoma. Identifiers: Orphanet 227535, MedGen C0346153, MONDO:0016419, OMIM 114480. Disease mechanism: loss of function.
Fanconi anemia complementation group J. Also called: BRIP1-Related Fanconi Anemia. Identifiers: Orphanet 84, MedGen C1836860, MONDO:0012187, OMIM 609054.

Submissions (2):

Labcorp Genetics (formerly Invitae), Labcorp
Classification: Likely benign for Familial cancer of breast; Fanconi anemia complementation group J. Last evaluated: 2025-10-19. Review status: criteria provided, single submitter. Criteria: Invitae Variant Classification Sherloc (09022015). Collection method: clinical testing. Allele origin: germline.

Myriad Genetics, Inc.
Classification: Benign for Familial cancer of breast. Last evaluated: 2024-08-28. Review status: criteria provided, single submitter. Criteria: Myriad Autosomal Dominant, Autosomal Recessive and X-Linked Classification Criteria (2023). Collection method: clinical testing. Allele origin: unknown.
Comment: This variant is considered benign. This variant is a silent/synonymous amino acid change and it is not expected to impact splicing.